The following is an entry in ClinVar:

NM_001267550.2(TTN):c.105412A>G (p.Met35138Val)

Genes: TTN (titin; minus strand), TTN-AS1 (TTN antisense RNA 1; plus strand). Cytogenetic location: 2q31.2.
Variant type: single nucleotide variant.
Coding change: c.105412A>G on transcript NM_001267550.2 (MANE Select); coding-DNA position 105412, A replaced by G.
Protein change: p.Met35138Val; replaces methionine 35138 with valine.
Molecular consequence: missense variant.
Genome position (GRCh38, 1-based): chr2:178,531,203, T>C on the plus strand (A>G on the coding strand, the complement: TTN is on the minus strand). VCF-style: chr2-178531203-T-C. GRCh37 (hg19) VCF-style: chr2-179395930-T-C.
Other names: c.100489A>G, p.Met33497Val (NM_001256850.1); c.78217A>G, p.Met26073Val (NM_003319.4); c.97708A>G, p.Met32570Val (NM_133378.4); c.78592A>G, p.Met26198Val (NM_133432.3); c.78793A>G, p.Met26265Val (NM_133437.4); short protein forms M33497V, M35138V, M32570V, M26073V, M26265V, M26198V.
Identifiers: ClinVar variation 516023 (VCV000516023.1), dbSNP rs368992068, ClinGen allele CA1985266.

ClinVar aggregate classification (germline): Likely benign (1 of 4 stars; one submission).

Allele frequency attached by ClinVar (database versions not stated): gnomAD 0.00001; TOPMed 0.00001 and 0.00002; ESP Exome Variant Server 0.00008; gnomAD exomes 0.00001; ExAC 0.00002.
gnomAD v4.1: 16 of 1,613,882 alleles (0.00099%); highest among the groups gnomAD compares: Admixed American, 0.0017%; no homozygotes.

Submission:

GeneDx
Classification: Likely benign. Last evaluated: 2018-03-13. Review status: criteria provided, single submitter. Criteria: GeneDx Variant Classification (06012015). Collection method: clinical testing. Allele origin: germline. Affected: yes.
Comment: This variant is considered likely benign or benign based on one or more of the following criteria: it is a conservative change, it occurs at a poorly conserved position in the protein, it is predicted to be benign by multiple in silico algorithms, and/or has population frequency not consistent with disease.